The following is an entry in ClinVar:

NC_000004.12:g.1395126T>C

Genes: CRIPAK (cysteine rich PAK1 inhibitor; plus strand), UVSSA (UV stimulated scaffold protein A; plus strand), LOC126806945 (P300/CBP strongly-dependent group 1 enhancer GRCh37_chr4:1388225-1389424; plus strand). Cytogenetic location: 4p16.3.
Variant type: single nucleotide variant.
Genome position: GRCh38 VCF-style: chr4-1395126-T-C. GRCh37 (hg19) VCF-style: chr4-1388914-T-C.
Identifiers: ClinVar variation 3388647 (VCV003388647.14).

ClinVar aggregate classification (germline): Likely benign (1 of 4 stars; one submission).

Submission:

CeGaT Center for Human Genetics Tuebingen
Classification: Likely benign. Last evaluated: 2026-04-01. Review status: criteria provided, single submitter. Criteria: CeGaT Center For Human Genetics Tuebingen Variant Classification Criteria Version 2. Collection method: clinical testing. Allele origin: germline. Affected: yes. Observed: 5 variant alleles.
Comment: CRIPAK: BP4, BP7